The following is an entry in ClinVar:

NM_016107.5(ZFR):c.1388C>T (p.Thr463Met)

Gene: ZFR (zinc finger RNA binding protein; minus strand). Cytogenetic location: 5p13.3.
Variant type: single nucleotide variant.
Coding change: c.1388C>T on transcript NM_016107.5 (MANE Select); coding-DNA position 1388, C replaced by T.
Protein change: p.Thr463Met; replaces threonine 463 with methionine.
Molecular consequence: missense variant. On other transcripts: non-coding transcript variant (1).
Genome position (GRCh38, 1-based): chr5:32,403,234, G>A on the plus strand (C>T on the coding strand, the complement: ZFR is on the minus strand). VCF-style: chr5-32403234-G-A. GRCh37 (hg19) VCF-style: chr5-32403339-G-A.
Other names: short protein forms T463M.
Identifiers: ClinVar variation 3629160 (VCV003629160.2).

ClinVar aggregate classification (germline): Uncertain significance (1 of 4 stars; one submission).

Conditions:
Pure or complex autosomal recessive spastic paraplegia. Identifiers: Orphanet 320346, MedGen C5679887, MONDO:0017915.

gnomAD v4.1: 3 of 1,614,064 alleles (0.00019%); highest among the groups gnomAD compares: Non-Finnish European, 0.00017%; no homozygotes.

Submission:

Labcorp Genetics (formerly Invitae), Labcorp
Classification: Uncertain significance for Pure or complex autosomal recessive spastic paraplegia. Last evaluated: 2024-04-11. Review status: criteria provided, single submitter. Criteria: Invitae Variant Classification Sherloc (09022015). Collection method: clinical testing. Allele origin: germline.
Comment: This sequence change replaces threonine, which is neutral and polar, with methionine, which is neutral and non-polar, at codon 463 of the ZFR protein (p.Thr463Met). This variant is present in population databases (rs776988586, gnomAD 0.004%). This variant has not been reported in the literature in individuals affected with ZFR-related conditions. Experimental studies and prediction algorithms are not available or were not evaluated, and the functional significance of this variant is currently unknown. In summary, the available evidence is currently insufficient to determine the role of this variant in disease. Therefore, it has been classified as a Variant of Uncertain Significance.